The following is an entry in ClinVar:

NM_015978.3(TNNI3K):c.1538T>C (p.Leu513Pro)

Genes: FPGT-TNNI3K (FPGT-TNNI3K readthrough; plus strand), TNNI3K (TNNI3 interacting kinase; plus strand). Cytogenetic location: 1p31.1.
Variant type: single nucleotide variant.
Coding change: c.1538T>C on transcript NM_015978.3 (MANE Select); coding-DNA position 1538, T replaced by C.
Protein change: p.Leu513Pro; replaces leucine 513 with proline.
Molecular consequence: missense variant.
Genome position (GRCh38, 1-based): chr1:74,369,456, T>C. VCF-style: chr1-74369456-T-C. GRCh37 (hg19) VCF-style: chr1-74835140-T-C.
Other names: c.1841T>C, p.Leu614Pro (NM_001112808.3, NM_001199327.2); short protein forms L513P, L614P.
Identifiers: ClinVar variation 1333181 (VCV001333181.1), dbSNP rs1294489336, ClinGen allele CA340786188.

ClinVar aggregate classification (germline): Likely pathogenic (1 of 4 stars; one submission).

Conditions:
Arrhythmogenic right ventricular dysplasia 2. Identifiers: MedGen C1832931.

Allele frequency attached by ClinVar (database versions not stated): gnomAD exomes below 0.00001.

Submission:

Clinical Center for Gene Diagnosis and Therapy, Department of Cardiovascular Surgery, The Second Xiangya Hospital of Central South University
Classification: Likely pathogenic for Catecholaminergic polymorphic ventricular tachycardia 1. Last evaluated: 2021-10-20. Review status: criteria provided, single submitter. Criteria: ACMG Guidelines, 2015. Collection method: research. Allele origin: unknown. Affected: yes.
Comment: The comprehensive assessment of the mutation was pathogenic. We found that this mutation would lead to a decrease in the level of TNNI3K mRNA and protein, as well as a decrease in the expression of RYR2 gene, which further proves that TNNI3K plays an important role in cardiomyopathy and expands the spectrum of TNNI3K mutation.